The following is an entry in ClinVar:

ClinVar aggregate classification (germline): Uncertain significance. Review status: criteria provided, multiple submitters, no conflicts (2 of 4 stars). 4 submissions from 4 submitters: Uncertain significance (3). 1 of the submissions does not count toward it. Last evaluated 2025-01-08.

Conditions:
CEP164-related disorder. Also called: CEP164-related condition.
Inborn genetic diseases. Identifiers: MedGen C0950123, MeSH D030342.
Nephronophthisis 15 (NPHP15). Identifiers: Orphanet 3156, MedGen C3541853, MONDO:0013917, OMIM 614845.

Allele frequency attached by ClinVar (database versions not stated): ExAC 0.00002; ESP Exome Variant Server 0.00008; TOPMed 0.00008.
gnomAD v4.1: 10 of 1,613,432 alleles (0.00062%); highest among the groups gnomAD compares: African/African-American, 0.0093%; no homozygotes.

Submissions (4):

Ambry Genetics
Classification: Uncertain significance for Inborn genetic diseases. Last evaluated: 2025-01-08. Review status: criteria provided, single submitter. Criteria: Ambry Variant Classification Scheme 2023. Collection method: clinical testing. Allele origin: germline.

Blueprint Genetics
Classification: Uncertain significance. Last evaluated: 2022-11-02. Review status: criteria provided, single submitter. Criteria: ACMG Guidelines, 2015. Collection method: clinical testing. Allele origin: germline.

Labcorp Genetics (formerly Invitae), Labcorp
Classification: Uncertain significance for Nephronophthisis 15. Last evaluated: 2021-08-26. Review status: criteria provided, single submitter. Criteria: Invitae Variant Classification Sherloc (09022015). Collection method: clinical testing. Allele origin: germline.
Comment: This sequence change replaces methionine with threonine at codon 862 of the CEP164 protein (p.Met862Thr). The methionine residue is weakly conserved and there is a moderate physicochemical difference between methionine and threonine. This variant is present in population databases (rs371143032, ExAC 0.03%). This variant has not been reported in the literature in individuals affected with CEP164-related conditions. Algorithms developed to predict the effect of missense changes on protein structure and function are either unavailable or do not agree on the potential impact of this missense change (SIFT: "Deleterious"; PolyPhen-2: "Benign"; Align-GVGD: "Class C25"). In summary, the available evidence is currently insufficient to determine the role of this variant in disease. Therefore, it has been classified as a Variant of Uncertain Significance.

PreventionGenetics, part of Exact Sciences
Classification: Uncertain significance for CEP164-related condition. Last evaluated: 2024-07-31. Review status: no assertion criteria provided. Collection method: clinical testing. Allele origin: germline. Not counted in ClinVar's aggregate classification.
Comment: The CEP164 c.2585T>C variant is predicted to result in the amino acid substitution p.Met862Thr. To our knowledge, this variant has not been reported in the literature. This variant is reported in 0.018% of alleles in individuals of African descent in gnomAD. At this time, the clinical significance of this variant is uncertain due to the absence of conclusive functional and genetic evidence.

NM_014956.5(CEP164):c.2585T>C (p.Met862Thr)

Gene: CEP164 (centrosomal protein 164; plus strand). Cytogenetic location: 11q23.3.
Variant type: single nucleotide variant.
Coding change: c.2585T>C on transcript NM_014956.5 (MANE Select); coding-DNA position 2585, T replaced by C.
Protein change: p.Met862Thr; replaces methionine 862 with threonine.
Molecular consequence: missense variant.
Genome position (GRCh38, 1-based): chr11:117,393,095, T>C. VCF-style: chr11-117393095-T-C. GRCh37 (hg19) VCF-style: chr11-117263811-T-C.
Other names: c.2594T>C, p.Met865Thr (NM_001271933.2); c.2585T>C (NM_014956.4); short protein forms M862T, M865T.
Identifiers: ClinVar variation 1023638 (VCV001023638.9), dbSNP rs371143032, ClinGen allele CA6295124.